The following is an entry in ClinVar:

ClinVar aggregate classification (germline): Pathogenic (1 of 4 stars; one submission).

Conditions:
Joubert syndrome. Also called: CEREBELLOPARENCHYMAL DISORDER IV; JOUBERT-BOLTSHAUSER SYNDROME; Familial aplasia of the vermis. Identifiers: Orphanet 475, MedGen C5979921, MONDO:0018772.

Submission:

Labcorp Genetics (formerly Invitae), Labcorp
Classification: Pathogenic for Joubert syndrome. Last evaluated: 2024-02-14. Review status: criteria provided, single submitter. Criteria: Invitae Variant Classification Sherloc (09022015). Collection method: clinical testing. Allele origin: germline.
Comment: This sequence change creates a premature translational stop signal (p.Thr1132*) in the AHI1 gene. It is expected to result in an absent or disrupted protein product. Loss-of-function variants in AHI1 are known to be pathogenic (PMID: 15322546, 16453322, 28442542, 29186038). This variant is not present in population databases (gnomAD no frequency). This variant has not been reported in the literature in individuals affected with AHI1-related conditions. For these reasons, this variant has been classified as Pathogenic.

Literature cited by the submitters: PubMed 15322546; PubMed 16453322; PubMed 28442542; PubMed 29186038.

NM_001134831.2(AHI1):c.3394_3400del (p.Lys1131_Thr1132insTer)

Gene: AHI1 (Abelson helper integration site 1; minus strand). Cytogenetic location: 6q23.3.
Variant type: Deletion.
Coding change: c.3394_3400del on transcript NM_001134831.2 (MANE Select); coding-DNA positions 3394 to 3400, 7 bases deleted (ACTAAAA; older notation c.3394_3400delACTAAAA).
Protein change: p.Lys1131_Thr1132insTer.
Molecular consequence: nonsense.
Genome position (GRCh38, 1-based): chr6:135,318,545-135,318,551, TTTTAGT deleted on the plus strand (ACTAAAA on the coding strand, the reverse complement: AHI1 is on the minus strand); deleting any 7 consecutive bases within chr6:135,318,545-135,318,555 gives the same sequence; the c. name uses the placement nearest the transcript's 3' end. VCF-style (leftmost placement, unchanged base first): chr6-135318544-ATTTTAGT-A. GRCh37 (hg19) VCF-style: chr6-135639682-ATTTTAGT-A.
Other names: c.3394_3400del, p.Lys1131_Thr1132insTer (NM_001134830.2, NM_001350503.2, NM_001350504.2 and 1 more transcripts).
Identifiers: ClinVar variation 3640869 (VCV003640869.2).